The following is an entry in ClinVar:

ClinVar aggregate classification (germline): Pathogenic/Likely pathogenic. Review status: criteria provided, multiple submitters, no conflicts (2 of 4 stars). 3 submissions from 3 submitters: Pathogenic (1); Likely pathogenic (2). Last evaluated 2024-02-08.

Conditions:
CYP19A1-related disorder. Also called: CYP19A1-related condition.
Aromatase excess syndrome (AEXS). Also called: GYNECOMASTIA, HEREDITARY; Familial gynecomastia, due to increased aromatase activity; AROMATASE ACTIVITY, INCREASED. Identifiers: Orphanet 178345, MedGen C1970109, MONDO:0007690, OMIM 139300.
Aromatase deficiency. Also called: Increased aromatase activity; PSEUDOHERMAPHRODITISM, FEMALE, DUE TO PLACENTAL AROMATASE DEFICIENCY. Identifiers: Orphanet 91, MedGen C1960539, MONDO:0013301, OMIM 613546.

Submissions (3):

Fulgent Genetics
Classification: Likely pathogenic for Aromatase excess syndrome; Aromatase deficiency. Last evaluated: 2024-02-08. Review status: criteria provided, single submitter. Criteria: ACMG Guidelines, 2015. Collection method: clinical testing. Allele origin: germline.

Labcorp Genetics (formerly Invitae), Labcorp
Classification: Pathogenic. Last evaluated: 2023-07-17. Review status: criteria provided, single submitter. Criteria: Invitae Variant Classification Sherloc (09022015). Collection method: clinical testing. Allele origin: germline.
Comment: This variant has not been reported in the literature in individuals affected with CYP19A1-related conditions. For these reasons, this variant has been classified as Pathogenic. This variant is not present in population databases (gnomAD no frequency). This sequence change creates a premature translational stop signal (p.Glu342*) in the CYP19A1 gene. It is expected to result in an absent or disrupted protein product. Loss-of-function variants in CYP19A1 are known to be pathogenic (PMID: 14602738, 27086564, 27256151).

Blueprint Genetics
Classification: Likely pathogenic for CYP19A1-related disorders. Last evaluated: 2021-11-15. Review status: criteria provided, single submitter. Criteria: ACMG Guidelines, 2015. Collection method: clinical testing. Allele origin: germline. Affected: yes. Observed: 1 variant allele.

Literature cited by the submitters: PubMed 14602738 (cited by Labcorp Genetics (formerly Invitae), Labcorp); PubMed 27086564 (cited by Labcorp Genetics (formerly Invitae), Labcorp); PubMed 27256151 (cited by Labcorp Genetics (formerly Invitae), Labcorp).

NM_000103.4(CYP19A1):c.1024G>T (p.Glu342Ter)

Genes: CYP19A1 (cytochrome P450 family 19 subfamily A member 1; minus strand), MIR4713HG (MIR4713 host gene; plus strand), PIRC66 (piwi-interacting RNA cluster 66; plus strand). Cytogenetic location: 15q21.2.
Variant type: single nucleotide variant.
Coding change: c.1024G>T on transcript NM_000103.4 (MANE Select); coding-DNA position 1024, G replaced by T.
Protein change: p.Glu342Ter; replaces glutamic acid 342 with a stop codon.
Molecular consequence: nonsense.
Genome position (GRCh38, 1-based): chr15:51,212,559, C>A on the plus strand (G>T on the coding strand, the complement: CYP19A1 is on the minus strand). VCF-style: chr15-51212559-C-A. GRCh37 (hg19) VCF-style: chr15-51504756-C-A.
Other names: c.1024G>T, p.Glu342Ter (NM_001347248.1, NM_001347249.2, NM_001347250.2 and 7 more transcripts); short protein forms E342*.
Identifiers: ClinVar variation 2744294 (VCV002744294.5), dbSNP rs2542394532, ClinGen allele CA392425060.